The following is an entry in ClinVar:

ClinVar aggregate classification (germline): Benign. Review status: criteria provided, multiple submitters, no conflicts (2 of 4 stars). 2 submissions from 2 submitters: Benign (2). Last evaluated 2018-01-12.

Conditions:
Ichthyosis bullosa of Siemens (IBS). Also called: Superficial epidermolytic ichthyosis. Identifiers: Orphanet 455, MedGen C0432306, MONDO:0007813, OMIM 146800.

Allele frequency attached by ClinVar (database versions not stated): gnomAD 0.00086 and 0.00139; gnomAD exomes 0.00127 and 0.00282; TOPMed 0.00162; ExAC 0.00268; 1000 Genomes Project 30x 0.00703; 1000 Genomes Project 0.00819.
gnomAD v4.1: 2,045 of 1,608,950 alleles (0.13%); highest among the groups gnomAD compares: East Asian, 3.9%; 40 homozygotes.

Submissions (2):

Illumina Laboratory Services, Illumina
Classification: Benign for Ichthyosis bullosa of Siemens. Last evaluated: 2018-01-12. Review status: criteria provided, single submitter. Criteria: ICSL Variant Classification Criteria 13 December 2019. Collection method: clinical testing. Allele origin: germline.
Comment: This variant was observed in the ICSL laboratory as part of a predisposition screen in an ostensibly healthy population. It had not been previously curated by ICSL or reported in the Human Gene Mutation Database (HGMD: prior to June 1st, 2018), and was therefore a candidate for classification through an automated scoring system. Utilizing variant allele frequency, disease prevalence and penetrance estimates, and inheritance mode, an automated score was calculated to assess if this variant is too frequent to cause the disease. Based on the score and internal cut-off values, a variant classified as benign is not then subjected to further curation. The score for this variant resulted in a classification of benign for this disease.

Breakthrough Genomics
Classification: Benign. Review status: criteria provided, single submitter. Criteria: ACMG Guidelines, 2015. Collection method: not provided. Allele origin: germline. Inheritance: Autosomal dominant inheritance. Affected: yes.

NM_000423.3(KRT2):c.*42T>C

Gene: KRT2 (keratin 2; minus strand). Cytogenetic location: 12q13.13.
Variant type: single nucleotide variant.
Coding change: c.*42T>C on transcript NM_000423.3 (MANE Select); 42 bases downstream of the stop codon, T replaced by C.
Molecular consequence: 3 prime UTR variant.
Genome position (GRCh38, 1-based): chr12:52,644,977, A>G on the plus strand (T>C on the coding strand, the complement: KRT2 is on the minus strand). VCF-style: chr12-52644977-A-G. GRCh37 (hg19) VCF-style: chr12-53038761-A-G.
Identifiers: ClinVar variation 309593 (VCV000309593.6), dbSNP rs2232563, ClinGen allele CA6585326.